The following is an entry in ClinVar:

ClinVar aggregate classification (germline): Uncertain significance. Review status: criteria provided, multiple submitters, no conflicts (2 of 4 stars). 2 submissions from 2 submitters: Uncertain significance (2). Last evaluated 2026-01-12.

Conditions:
Birt-Hogg-Dube syndrome. Also called: Birt Hogg Dubé syndrome. Identifiers: Orphanet 122, MedGen C0346010, MONDO:0800444.
Hereditary cancer-predisposing syndrome. Also called: Tumor predisposition; Hereditary neoplastic syndrome; Neoplastic Syndromes, Hereditary; Hereditary Cancer Syndrome. Identifiers: Orphanet 140162, MedGen C0027672, MeSH D009386, MONDO:0015356.

Allele frequency attached by ClinVar (database versions not stated): gnomAD exomes below 0.00001; TOPMed below 0.00001; gnomAD 0.00001.
gnomAD v4.1: 4 of 1,614,118 alleles (0.00025%); highest among the groups gnomAD compares: Non-Finnish European, 0.00025%; no homozygotes.

Submissions (2):

Labcorp Genetics (formerly Invitae), Labcorp
Classification: Uncertain significance for Birt-Hogg-Dube syndrome. Last evaluated: 2026-01-12. Review status: criteria provided, single submitter. Criteria: Invitae Variant Classification Sherloc (09022015). Collection method: clinical testing. Allele origin: germline.
Comment: This sequence change replaces aspartic acid, which is acidic and polar, with glycine, which is neutral and non-polar, at codon 247 of the FLCN protein (p.Asp247Gly). This variant is not present in population databases (gnomAD no frequency). This variant has not been reported in the literature in individuals affected with FLCN-related conditions. ClinVar contains an entry for this variant (Variation ID: 937061). Invitae Evidence Modeling of protein sequence and biophysical properties (such as structural, functional, and spatial information, amino acid conservation, physicochemical variation, residue mobility, and thermodynamic stability) indicates that this missense variant is expected to disrupt FLCN protein function with a positive predictive value of 80%. In summary, the available evidence is currently insufficient to determine the role of this variant in disease. Therefore, it has been classified as a Variant of Uncertain Significance.

Ambry Genetics
Classification: Uncertain significance for Hereditary cancer-predisposing syndrome. Last evaluated: 2024-11-17. Review status: criteria provided, single submitter. Criteria: Ambry Variant Classification Scheme 2023. Collection method: clinical testing. Allele origin: germline.
Comment: The p.D247G variant (also known as c.740A>G), located in coding exon 4 of the FLCN gene, results from an A to G substitution at nucleotide position 740. The aspartic acid at codon 247 is replaced by glycine, an amino acid with similar properties. This amino acid position is well conserved in available vertebrate species. In addition, the in silico prediction for this alteration is inconclusive. Since supporting evidence is limited at this time, the clinical significance of this alteration remains unclear.

NM_144997.7(FLCN):c.740A>G (p.Asp247Gly)

Gene: FLCN (folliculin; minus strand). Cytogenetic location: 17p11.2.
Variant type: single nucleotide variant.
Coding change: c.740A>G on transcript NM_144997.7 (MANE Select); coding-DNA position 740, A replaced by G.
Protein change: p.Asp247Gly; replaces aspartic acid 247 with glycine.
Molecular consequence: missense variant.
Genome position (GRCh38, 1-based): chr17:17,222,540, T>C on the plus strand (A>G on the coding strand, the complement: FLCN is on the minus strand). VCF-style: chr17-17222540-T-C. GRCh37 (hg19) VCF-style: chr17-17125854-T-C.
Other names: c.794A>G, p.Asp265Gly (NM_001353229.2); c.740A>G, p.Asp247Gly (NM_001353230.2, NM_001353231.2, NM_144606.7); short protein forms D247G, D265G.
Identifiers: ClinVar variation 937061 (VCV000937061.10), dbSNP rs2047124055, ClinGen allele CA398533899.